The following is an entry in ClinVar:

NM_170601.5(SIAE):c.544+2dup

Gene: SIAE (sialic acid acetylesterase; minus strand). Cytogenetic location: 11q24.2.
Variant type: Duplication.
Coding change: c.544+2dup on transcript NM_170601.5 (MANE Select); the canonical splice donor site of the intron after coding-DNA position 544, one base duplicated (T; older notation c.544+2dupT).
Molecular consequence: splice donor variant.
Genome position (GRCh38, 1-based): chr11:124,654,653, A duplicated on the plus strand (T on the coding strand, the reverse complement: SIAE is on the minus strand). VCF-style (leftmost placement, unchanged base first): chr11-124654652-T-TA. GRCh37 (hg19) VCF-style: chr11-124524548-T-TA.
Other names: c.439+2dup (NM_001199922.2).
Identifiers: ClinVar variation 4694152 (VCV004694152.1).

ClinVar aggregate classification (germline): Uncertain significance (1 of 4 stars; one submission).

Submission:

Labcorp Genetics (formerly Invitae), Labcorp
Classification: Uncertain significance. Last evaluated: 2025-09-21. Review status: criteria provided, single submitter. Criteria: Invitae Variant Classification Sherloc (09022015). Collection method: clinical testing. Allele origin: germline.
Comment: This sequence change falls in intron 4 of the SIAE gene. It does not directly change the encoded amino acid sequence of the SIAE protein. It affects a nucleotide within the consensus splice site. This variant is present in population databases (rs750156595, gnomAD 0.006%). This variant has not been reported in the literature in individuals affected with SIAE-related conditions. Variants that disrupt the consensus splice site are a relatively common cause of aberrant splicing (PMID: 17576681, 9536098). Algorithms developed to predict the effect of sequence changes on RNA splicing suggest that this variant may disrupt the consensus splice site. In summary, the available evidence is currently insufficient to determine the role of this variant in disease. Therefore, it has been classified as a Variant of Uncertain Significance.

Literature cited by the submitters: PubMed 17576681; PubMed 9536098.